The following is an entry in ClinVar:

NM_005225.3(E2F1):c.598G>A (p.Gly200Ser)

Gene: E2F1 (E2F transcription factor 1; minus strand). Cytogenetic location: 20q11.22.
Variant type: single nucleotide variant.
Coding change: c.598G>A on transcript NM_005225.3 (MANE Select); coding-DNA position 598, G replaced by A.
Protein change: p.Gly200Ser; replaces glycine 200 with serine.
Molecular consequence: missense variant.
Genome position (GRCh38, 1-based): chr20:33,678,328, C>T on the plus strand (G>A on the coding strand, the complement: E2F1 is on the minus strand). VCF-style: chr20-33678328-C-T. GRCh37 (hg19) VCF-style: chr20-32266134-C-T.
Other names: short protein forms G200S.
Identifiers: ClinVar variation 3041382 (VCV003041382.2), dbSNP rs35385772, ClinGen allele CA9818714.

ClinVar aggregate classification (germline): Benign (0 of 4 stars; one submission).

Conditions:
E2F1-related disorder. Also called: E2F1-related condition.

Allele frequency attached by ClinVar (database versions not stated): 1000 Genomes Project 30x 0.01218; 1000 Genomes Project 0.01278; TOPMed 0.01951; ESP Exome Variant Server 0.01953; gnomAD 0.02173; ExAC 0.02281; gnomAD exomes 0.02582.
gnomAD v4.1: 40,969 of 1,612,394 alleles (2.5%); highest among the groups gnomAD compares: Non-Finnish European, 2.8%; 640 homozygotes.

Submission:

PreventionGenetics, part of Exact Sciences
Classification: Benign for E2F1-related condition. Last evaluated: 2019-09-17. Review status: no assertion criteria provided. Collection method: clinical testing. Allele origin: germline.
Comment: This variant is classified as benign based on ACMG/AMP sequence variant interpretation guidelines (Richards et al. 2015 PMID: 25741868, with internal and published modifications).